The following is an entry in ClinVar:

NM_022089.4(ATP13A2):c.3083+2T>C

Gene: ATP13A2 (ATPase cation transporting 13A2; minus strand). Cytogenetic location: 1p36.13.
Variant type: single nucleotide variant.
Coding change: c.3083+2T>C on transcript NM_022089.4 (MANE Select); the canonical splice donor site of the intron after coding-DNA position 3083, T replaced by C.
Molecular consequence: splice donor variant.
Genome position (GRCh38, 1-based): chr1:16,987,044, A>G on the plus strand (T>C on the coding strand, the complement: ATP13A2 is on the minus strand). VCF-style: chr1-16987044-A-G. GRCh37 (hg19) VCF-style: chr1-17313539-A-G.
Other names: c.2951+2T>C (NM_001141974.3); c.3068+2T>C (NM_001141973.3).
Identifiers: ClinVar variation 1523588 (VCV001523588.6), dbSNP rs771581490, ClinGen allele CA636626.

ClinVar aggregate classification (germline): Likely pathogenic (1 of 4 stars; one submission).

Conditions:
Autosomal recessive spastic paraplegia type 78. Identifiers: Orphanet 513436, MedGen C5567893, MONDO:0014975, OMIM 617225.
Kufor-Rakeb syndrome (KRS). Also called: PARKINSON DISEASE 9, AUTOSOMAL RECESSIVE, JUVENILE-ONSET. Identifiers: Orphanet 306674, Orphanet 314632, MedGen C1847640, MONDO:0011706, OMIM 606693.

Allele frequency attached by ClinVar (database versions not stated): gnomAD exomes below 0.00001; ExAC 0.00001.
gnomAD v4.1: 2 of 1,613,340 alleles (0.00012%); no homozygotes.

Submission:

Labcorp Genetics (formerly Invitae), Labcorp
Classification: Likely pathogenic for Kufor-Rakeb syndrome; Autosomal recessive spastic paraplegia type 78. Last evaluated: 2021-10-26. Review status: criteria provided, single submitter. Criteria: Invitae Variant Classification Sherloc (09022015). Collection method: clinical testing. Allele origin: germline.
Comment: This sequence change affects a donor splice site in intron 26 of the ATP13A2 gene. It is expected to disrupt RNA splicing. Variants that disrupt the donor or acceptor splice site typically lead to a loss of protein function (PMID: 16199547), and loss-of-function variants in ATP13A2 are known to be pathogenic (PMID: 16964263, 21696388). Algorithms developed to predict the effect of sequence changes on RNA splicing suggest that this variant may disrupt the consensus splice site. In summary, the currently available evidence indicates that the variant is pathogenic, but additional data are needed to prove that conclusively. Therefore, this variant has been classified as Likely Pathogenic. This variant has not been reported in the literature in individuals affected with ATP13A2-related conditions. This variant is present in population databases (rs771581490, gnomAD no frequency).

Literature cited by the submitters: PubMed 16199547; PubMed 16964263; PubMed 21696388.